The following is an entry in ClinVar:

NM_182914.3(SYNE2):c.8626A>C (p.Thr2876Pro)

Gene: SYNE2 (spectrin repeat containing nuclear envelope protein 2; plus strand). Cytogenetic location: 14q23.2.
Variant type: single nucleotide variant.
Coding change: c.8626A>C on transcript NM_182914.3 (MANE Select); coding-DNA position 8626, A replaced by C.
Protein change: p.Thr2876Pro; replaces threonine 2876 with proline.
Molecular consequence: missense variant.
Genome position (GRCh38, 1-based): chr14:64,052,539, A>C. VCF-style: chr14-64052539-A-C. GRCh37 (hg19) VCF-style: chr14-64519257-A-C.
Other names: c.8626A>C, p.Thr2876Pro (NM_015180.6); short protein forms T2876P.
Identifiers: ClinVar variation 1389104 (VCV001389104.8), dbSNP rs1322044514, ClinGen allele CA389969120.
Genomic context (GRCh38, chr14:64,052,539, plus strand): 5'-CTGATAATTCCCAGGGTGGAGACAGCTGCCACGGAAGCTGAACTAAAACATCACCATGTT[A>C]CTTTGGAGGCATCTCAGAAGGAATTGCAAGAAATTGACAGTGGAATCTCAACACATCTTC-3'
Protein context (NP_878918.2, residues 2866-2886): TEAELKHHHV[Thr2876Pro]LEASQKELQE

ClinVar aggregate classification (germline): Uncertain significance (1 of 4 stars; one submission).

Conditions:
Emery-Dreifuss muscular dystrophy 5, autosomal dominant (EDMD5). Also called: EMERY-DREIFUSS MUSCULAR DYSTROPHY 5. Identifiers: Orphanet 261, MedGen C2751805, MONDO:0013072, OMIM 612999.

Allele frequency attached by ClinVar (database versions not stated): gnomAD exomes below 0.00001 and 0.00001; TOPMed 0.00001.
gnomAD v4.1: 3 of 1,614,176 alleles (0.00019%); highest among the groups gnomAD compares: Admixed American, 0.005%; no homozygotes.

Submission:

Labcorp Genetics (formerly Invitae), Labcorp
Classification: Uncertain significance for Emery-Dreifuss muscular dystrophy 5, autosomal dominant. Last evaluated: 2021-07-14. Review status: criteria provided, single submitter. Criteria: Invitae Variant Classification Sherloc (09022015). Collection method: clinical testing. Allele origin: germline.
Comment: This sequence change replaces threonine with proline at codon 2876 of the SYNE2 protein (p.Thr2876Pro). The threonine residue is weakly conserved and there is a small physicochemical difference between threonine and proline. This variant is not present in population databases (ExAC no frequency). This variant has not been reported in the literature in individuals affected with SYNE2-related conditions. Algorithms developed to predict the effect of missense changes on protein structure and function are either unavailable or do not agree on the potential impact of this missense change (SIFT: "Tolerated"; PolyPhen-2: "Possibly Damaging"; Align-GVGD: "Class C0"). In summary, the available evidence is currently insufficient to determine the role of this variant in disease. Therefore, it has been classified as a Variant of Uncertain Significance.